The following is an entry in ClinVar:

ClinVar aggregate classification (germline): Likely pathogenic (1 of 4 stars; one submission).

Conditions:
Primary ciliary dyskinesia. Also called: Ciliary dyskinesia. Identifiers: Orphanet 244, MedGen C0008780, MONDO:0016575, HP:0012265.

Submission:

Natera, Inc.
Classification: Likely pathogenic for Primary ciliary dyskinesia. Last evaluated: 2024-05-20. Review status: criteria provided, single submitter. Criteria: Natera Variant Classification Schema (03/2026). Collection method: clinical testing. Allele origin: germline.
Comment: The c.3897del variant in DNAH5 is a frameshift variant predicted to shift the reading frame beginning at codon 1300 and leads to a stop codon 21 codons downstream. This variant is expected to result in nonsense mediated decay, truncation, or a dysfunctional protein product. This variant is rare in the general population with a frequency below the threshold expected for the associated phenotype(s). Given the available evidence, this variant is classified as Likely Pathogenic.

NM_001369.3(DNAH5):c.3897del (p.Asp1300fs)

Genes: DNAH5 (dynein axonemal heavy chain 5; minus strand), DNAH5-AS1 (DNAH5 antisense RNA 1; plus strand). Cytogenetic location: 5p15.2.
Variant type: Deletion.
Coding change: c.3897del on transcript NM_001369.3 (MANE Select); coding-DNA position 3897, one base deleted (T; older notation c.3897delT).
Protein change: p.Asp1300fs; shifts the reading frame from aspartic acid 1300.
Molecular consequence: frameshift variant.
Genome position (GRCh38, 1-based): chr5:13,867,930, A deleted on the plus strand (T on the coding strand, the reverse complement: DNAH5 is on the minus strand); the first of 2 consecutive A bases (chr5:13,867,930-13,867,931); deleting either gives the same sequence. VCF-style (leftmost placement, unchanged base first): chr5-13867929-CA-C. GRCh37 (hg19) VCF-style: chr5-13868038-CA-C.
Other names: short protein forms D1300fs.
Identifiers: ClinVar variation 4814888 (VCV004814888.1).